The following is an entry in ClinVar:

NM_005732.4(RAD50):c.3523G>C (p.Ala1175Pro)

Genes: RAD50 (RAD50 double strand break repair protein; plus strand), TH2LCRR (T helper type 2 locus control region associated RNA; minus strand), TH2-LCR (Th2 cytokine locus control region; plus strand). Cytogenetic location: 5q31.1.
Variant type: single nucleotide variant.
Coding change: c.3523G>C on transcript NM_005732.4 (MANE Select); coding-DNA position 3523, G replaced by C.
Protein change: p.Ala1175Pro; replaces alanine 1175 with proline.
Molecular consequence: missense variant. On other transcripts: non-coding transcript variant (2).
Genome position (GRCh38, 1-based): chr5:132,638,128, G>C. VCF-style: chr5-132638128-G-C. GRCh37 (hg19) VCF-style: chr5-131973820-G-C.
Other names: short protein forms A1175P.
Identifiers: ClinVar variation 3659991 (VCV003659991.2).
Genomic context (GRCh38, chr5:132,638,128, plus strand): 5'-CTTCCTGTGTCAGATATTGAATACATAGAAATACGGTCTGATGCCGATGAAAATGTATCA[G>C]CTTCTGATAAAAGGCGGAATTATAACTACCGAGTGGTGATGCTGAAGGGAGACACAGCCT-3'
Protein context (NP_005723.2, residues 1165-1185): IRSDADENVS[Ala1175Pro]SDKRRNYNYR

ClinVar aggregate classification (germline): Uncertain significance (1 of 4 stars; one submission).

Conditions:
Hereditary cancer-predisposing syndrome. Also called: Hereditary Cancer Syndrome; Tumor predisposition; Hereditary neoplastic syndrome; Neoplastic Syndromes, Hereditary. Identifiers: Orphanet 140162, MedGen C0027672, MeSH D009386, MONDO:0015356.

Submission:

Labcorp Genetics (formerly Invitae), Labcorp
Classification: Uncertain significance for Hereditary cancer-predisposing syndrome. Last evaluated: 2024-07-20. Review status: criteria provided, single submitter. Criteria: Invitae Variant Classification Sherloc (09022015). Collection method: clinical testing. Allele origin: germline.
Comment: This sequence change replaces alanine, which is neutral and non-polar, with proline, which is neutral and non-polar, at codon 1175 of the RAD50 protein (p.Ala1175Pro). This variant is not present in population databases (gnomAD no frequency). This variant has not been reported in the literature in individuals affected with RAD50-related conditions. An algorithm developed to predict the effect of missense changes on protein structure and function (PolyPhen-2) suggests that this variant is likely to be disruptive. In summary, the available evidence is currently insufficient to determine the role of this variant in disease. Therefore, it has been classified as a Variant of Uncertain Significance.